The following is an entry in ClinVar:

ClinVar aggregate classification (germline): Benign. Review status: criteria provided, multiple submitters, no conflicts (2 of 4 stars). 3 submissions from 3 submitters: Benign (2). 1 of the submissions does not count toward it. Last evaluated 2019-12-31.

Conditions:
SHROOM3-related disorder. Also called: SHROOM3-related condition.

Allele frequency attached by ClinVar (database versions not stated): ExAC 0.00644; 1000 Genomes Project 0.01857; 1000 Genomes Project 30x 0.01968; gnomAD 0.02042 and 0.02207; ESP Exome Variant Server 0.02284; TOPMed 0.02297; gnomAD exomes 0.00207 and 0.00524.
gnomAD v4.1: 6,294 of 1,614,182 alleles (0.39%); highest among the groups gnomAD compares: African/African-American, 7%; 217 homozygotes.

Submissions (3):

Labcorp Genetics (formerly Invitae), Labcorp
Classification: Benign. Last evaluated: 2019-12-31. Review status: criteria provided, single submitter. Criteria: Invitae Variant Classification Sherloc (09022015). Collection method: clinical testing. Allele origin: germline.

Breakthrough Genomics
Classification: Benign. Review status: criteria provided, single submitter. Criteria: ACMG Guidelines, 2015. Collection method: not provided. Allele origin: germline. Inheritance: Unknown mechanism. Affected: yes.

PreventionGenetics, part of Exact Sciences
Classification: Benign for SHROOM3-related condition. Last evaluated: 2019-05-28. Review status: no assertion criteria provided. Collection method: clinical testing. Allele origin: germline. Not counted in ClinVar's aggregate classification.
Comment: This variant is classified as benign based on ACMG/AMP sequence variant interpretation guidelines (Richards et al. 2015 PMID: 25741868, with internal and published modifications).

NM_020859.4(SHROOM3):c.5914A>G (p.Asn1972Asp)

Genes: SHROOM3 (shroom family member 3; plus strand), SHROOM3-AS1 (SHROOM3 antisense RNA 1; minus strand). Cytogenetic location: 4q21.1.
Variant type: single nucleotide variant.
Coding change: c.5914A>G on transcript NM_020859.4 (MANE Select); coding-DNA position 5914, A replaced by G.
Protein change: p.Asn1972Asp; replaces asparagine 1972 with aspartic acid.
Molecular consequence: missense variant.
Genome position (GRCh38, 1-based): chr4:76,779,100, A>G. VCF-style: chr4-76779100-A-G. GRCh37 (hg19) VCF-style: chr4-77700253-A-G.
Other names: short protein forms N1972D.
Identifiers: ClinVar variation 767957 (VCV000767957.7), dbSNP rs61741100, ClinGen allele CA2973369.